The following is an entry in ClinVar:

NM_001999.4(FBN2):c.2674+147A>G

Gene: FBN2 (fibrillin 2; minus strand). Cytogenetic location: 5q23.3.
Variant type: single nucleotide variant.
Coding change: c.2674+147A>G on transcript NM_001999.4 (MANE Select); 147 bases into the intron after coding-DNA position 2674, A replaced by G.
Molecular consequence: intron variant.
Genome position (GRCh38, 1-based): chr5:128,357,129, T>C on the plus strand (A>G on the coding strand, the complement: FBN2 is on the minus strand). VCF-style: chr5-128357129-T-C. GRCh37 (hg19) VCF-style: chr5-127692821-T-C.
Identifiers: ClinVar variation 672316 (VCV000672316.1), dbSNP rs27457, ClinGen allele CA12105956.

ClinVar aggregate classification (germline): Benign (1 of 4 stars; one submission).

Allele frequency attached by ClinVar (database versions not stated): 1000 Genomes Project 0.28315; 1000 Genomes Project 30x 0.28435; gnomAD 0.35295 and 0.35367; TOPMed 0.35877; gnomAD exomes 0.42399.
gnomAD v4.1: 390,887 of 949,260 alleles (41%); highest among the groups gnomAD compares: Admixed American, 51%; 87,058 homozygotes.

Submission:

GeneDx
Classification: Benign. Last evaluated: 2018-06-14. Review status: criteria provided, single submitter. Criteria: GeneDx Variant Classification (06012015). Collection method: clinical testing. Allele origin: germline. Affected: yes.
Comment: This variant is considered likely benign or benign based on one or more of the following criteria: it is a conservative change, it occurs at a poorly conserved position in the protein, it is predicted to be benign by multiple in silico algorithms, and/or has population frequency not consistent with disease.